The following is an entry in ClinVar:

ClinVar aggregate classification (germline): Uncertain significance (1 of 4 stars; one submission).

Conditions:
Cardiovascular phenotype. Identifiers: MedGen CN230736.

Allele frequency attached by ClinVar (database versions not stated): TOPMed below 0.00001; gnomAD 0.00001.
gnomAD v4.1: 2 of 1,613,584 alleles (0.00012%); highest among the groups gnomAD compares: African/African-American, 0.0027%; no homozygotes.

Submission:

Ambry Genetics
Classification: Uncertain significance for Cardiovascular phenotype. Last evaluated: 2021-01-25. Review status: criteria provided, single submitter. Criteria: Ambry Variant Classification Scheme 2023. Collection method: clinical testing. Allele origin: germline.
Comment: The p.T1520I variant (also known as c.4559C>T), located in coding exon 8 of the ALMS1 gene, results from a C to T substitution at nucleotide position 4559. The threonine at codon 1520 is replaced by isoleucine, an amino acid with similar properties. This amino acid position is not well conserved in available vertebrate species, and isoleucine is the reference amino acid in other vertebrate species. In addition, this alteration is predicted to be tolerated by in silico analysis. Since supporting evidence is limited at this time, the clinical significance of this alteration remains unclear.

NM_001378454.1(ALMS1):c.4556C>T (p.Thr1519Ile)

Gene: ALMS1 (ALMS1 centrosome and basal body associated protein; plus strand). Cytogenetic location: 2p13.1.
Variant type: single nucleotide variant.
Coding change: c.4556C>T on transcript NM_001378454.1 (MANE Select); coding-DNA position 4556, C replaced by T.
Protein change: p.Thr1519Ile; replaces threonine 1519 with isoleucine.
Molecular consequence: missense variant.
Genome position (GRCh38, 1-based): chr2:73,451,083, C>T. VCF-style: chr2-73451083-C-T. GRCh37 (hg19) VCF-style: chr2-73678210-C-T.
Other names: c.4559C>T, p.Thr1520Ile (NM_015120.4); short protein forms T1519I, T1520I.
Identifiers: ClinVar variation 1741472 (VCV001741472.2), dbSNP rs921247590, ClinGen allele CA50395762.